The following is an entry in ClinVar:

ClinVar aggregate classification (germline): Pathogenic (1 of 4 stars; one submission).

Submission:

GeneDx
Classification: Pathogenic. Last evaluated: 2018-04-02. Review status: criteria provided, single submitter. Criteria: GeneDx Variant Classification (06012015). Collection method: clinical testing. Allele origin: germline. Affected: yes.
Comment: The c.5829dupT pathogenic variant in the NIPBL gene causes a frameshift starting with codon Glycine 1944, changes this amino acid to a Tryptophan residue and creates a premature Stop codon at position 3 of the new reading frame, denoted p.Gly1944TrpfsX3. This pathogenic variant is predicted to cause loss of normal protein function either through protein truncation or nonsense-mediated mRNA decay. The c.5829dupT variant is not observed in large population cohorts (Lek et al., 2016). Although this pathogenic variant has not been previously reported to our knowledge, its presence is consistent with the diagnosis of Cornelia de Lange.

NM_133433.4(NIPBL):c.5829dup (p.Gly1944fs)

Gene: NIPBL (NIPBL cohesin loading factor; plus strand). Cytogenetic location: 5p13.2.
Variant type: Duplication.
Coding change: c.5829dup on transcript NM_133433.4 (MANE Select); coding-DNA position 5829, one base duplicated (T; older notation c.5829dupT).
Protein change: p.Gly1944fs; shifts the reading frame from glycine 1944.
Molecular consequence: frameshift variant.
Genome position (GRCh38, 1-based): chr5:37,027,379, T duplicated. VCF-style (leftmost placement, unchanged base first): chr5-37027378-C-CT. GRCh37 (hg19) VCF-style: chr5-37027480-C-CT.
Other names: c.5829dup, p.Gly1944fs (NM_015384.5); c.5829dupT (NM_133433.3); short protein forms G1944fs.
Identifiers: ClinVar variation 524068 (VCV000524068.2), dbSNP rs1554027083, ClinGen allele CA658796514.
Genomic context (GRCh38, chr5:37,027,378, plus strand): 5'-ATAAATATACTTCTAACTTTGATTCTTTTCATCACCCTTAGGTTGCAGCATGCAGAGATA[C>CT]TGGATATGACTGGTTTGAGCAACTGCTTCAAAACGTGAGTGTTCTTTTGACTCCTGATAA-3'